The following is an entry in ClinVar:

ClinVar aggregate classification (germline): Uncertain significance. Review status: criteria provided, multiple submitters, no conflicts (2 of 4 stars). 2 submissions from 2 submitters: Uncertain significance (2). Last evaluated 2024-06-07.

Conditions:
Hereditary cancer-predisposing syndrome. Also called: Hereditary neoplastic syndrome; Tumor predisposition; Neoplastic Syndromes, Hereditary; Hereditary Cancer Syndrome. Identifiers: Orphanet 140162, MedGen C0027672, MeSH D009386, MONDO:0015356.

Allele frequency attached by ClinVar (database versions not stated): gnomAD exomes below 0.00001.
gnomAD v4.1: 2 of 1,614,004 alleles (0.00012%); highest among the groups gnomAD compares: Non-Finnish European, 0.00017%; no homozygotes.

Submissions (2):

Ambry Genetics
Classification: Uncertain significance for Hereditary cancer-predisposing syndrome. Last evaluated: 2024-06-07. Review status: criteria provided, single submitter. Criteria: Ambry Variant Classification Scheme 2023. Collection method: clinical testing. Allele origin: germline.
Comment: The p.L409P variant (also known as c.1226T>C), located in coding exon 8 of the ATM gene, results from a T to C substitution at nucleotide position 1226. The leucine at codon 409 is replaced by proline, an amino acid with similar properties. This amino acid position is not well conserved in available vertebrate species. In addition, the in silico prediction for this alteration is inconclusive. Based on the available evidence, the clinical significance of this variant remains unclear.

GeneDx
Classification: Uncertain significance. Last evaluated: 2015-04-01. Review status: criteria provided, single submitter. Criteria: GeneDx Variant Classification (06012015). Collection method: clinical testing. Allele origin: germline. Affected: yes.
Comment: This variant is denoted ATM c.1226T>C at the cDNA level, p.Leu409Pro (L409P) at the protein level, and results in the change of a Leucine to a Proline (CTT>CCT). This variant has not, to our knowledge, been published in the literature as pathogenic or benign. ATM Leu409Pro was not observed in approximately 6,500 individuals of European and African American ancestry in the NHLBI Exome Sequencing Project, indicating it is not a common benign variant in these populations. Since Leucine and Proline differ in some properties, this is considered a semi-conservative amino acid substitution. ATM Leu409Pro occurs at a position that is conserved among mammals and is not located in a known functional domain (UniProt). In silico analyses predict that this variant is probably damaging to protein structure and function. Based on currently available information, it is unclear whether ATM Leu409Pro is pathogenic or benign. We consider it to be a variant of uncertain significance.

NM_000051.4(ATM):c.1226T>C (p.Leu409Pro)

Gene: ATM (ATM serine/threonine kinase; plus strand). Cytogenetic location: 11q22.3.
Variant type: single nucleotide variant.
Coding change: c.1226T>C on transcript NM_000051.4 (MANE Select); coding-DNA position 1226, T replaced by C.
Protein change: p.Leu409Pro; replaces leucine 409 with proline.
Molecular consequence: missense variant.
Genome position (GRCh38, 1-based): chr11:108,249,093, T>C. VCF-style: chr11-108249093-T-C. GRCh37 (hg19) VCF-style: chr11-108119820-T-C.
Other names: c.1226T>C, p.Leu409Pro (NM_001351834.2); short protein forms L409P.
Identifiers: ClinVar variation 418801 (VCV000418801.3), dbSNP rs1064793442, ClinGen allele CA16619110.
Genomic context (GRCh38, chr11:108,249,093, plus strand): 5'-TAGAACTAGGCTGGGAAGTAATAAAAGATCACCTTCAGAAGTCACAGAATGATTTTGATC[T>C]TGTGCCTTGGTAAAGTGTTACCATTTTCTCATTCAGTGTCATTTTAATCTCTTGTATGTT-3'
Protein context (NP_000042.3, residues 399-419): HLQKSQNDFD[Leu409Pro]VPWLQIATQL